The following is an entry in ClinVar:

ClinVar aggregate classification (germline): Uncertain significance. Review status: criteria provided, multiple submitters, no conflicts (2 of 4 stars). 2 submissions from 2 submitters: Uncertain significance (2). Last evaluated 2023-12-21.

Conditions:
Inborn genetic diseases. Identifiers: MedGen C0950123, MeSH D030342.

Allele frequency attached by ClinVar (database versions not stated): gnomAD exomes 0.00001.
gnomAD v4.1: 30 of 1,614,036 alleles (0.0019%); highest among the groups gnomAD compares: Non-Finnish European, 0.0023%; no homozygotes.

Submissions (2):

Ambry Genetics
Classification: Uncertain significance for Inborn genetic diseases. Last evaluated: 2023-12-21. Review status: criteria provided, single submitter. Criteria: Ambry Variant Classification Scheme 2023. Collection method: clinical testing. Allele origin: germline.

Labcorp Genetics (formerly Invitae), Labcorp
Classification: Uncertain significance. Last evaluated: 2022-09-27. Review status: criteria provided, single submitter. Criteria: Invitae Variant Classification Sherloc (09022015). Collection method: clinical testing. Allele origin: germline.
Comment: This sequence change replaces isoleucine, which is neutral and non-polar, with valine, which is neutral and non-polar, at codon 1042 of the CENPJ protein (p.Ile1042Val). This variant is present in population databases (no rsID available, gnomAD 0.002%). This variant has not been reported in the literature in individuals affected with CENPJ-related conditions. ClinVar contains an entry for this variant (Variation ID: 1429577). Advanced modeling of protein sequence and biophysical properties (such as structural, functional, and spatial information, amino acid conservation, physicochemical variation, residue mobility, and thermodynamic stability) performed at Invitae indicates that this missense variant is not expected to disrupt CENPJ protein function. Algorithms developed to predict the effect of sequence changes on RNA splicing suggest that this variant may create or strengthen a splice site. In summary, the available evidence is currently insufficient to determine the role of this variant in disease. Therefore, it has been classified as a Variant of Uncertain Significance.

NM_018451.5(CPAP):c.3124A>G (p.Ile1042Val)

Gene: CPAP (centrosome assembly and centriole elongation protein; minus strand). Cytogenetic location: 13q12.12.
Variant type: single nucleotide variant.
Coding change: c.3124A>G on transcript NM_018451.5 (MANE Select); coding-DNA position 3124, A replaced by G.
Protein change: p.Ile1042Val; replaces isoleucine 1042 with valine.
Molecular consequence: missense variant. On other transcripts: non-coding transcript variant (2).
Genome position (GRCh38, 1-based): chr13:24,892,735, T>C on the plus strand (A>G on the coding strand, the complement: CPAP is on the minus strand). VCF-style: chr13-24892735-T-C. GRCh37 (hg19) VCF-style: chr13-25466873-T-C.
Other names: c.3124A>G (NM_018451.3); short protein forms I1042V.
Identifiers: ClinVar variation 1429577 (VCV001429577.7), dbSNP rs1392755614, ClinGen allele CA387580204.